The following is an entry in ClinVar:

NM_002768.5(CHMP1A):c.198G>A (p.Ala66=)

Gene: CHMP1A (charged multivesicular body protein 1A; minus strand). Cytogenetic location: 16q24.3.
Variant type: single nucleotide variant.
Coding change: c.198G>A on transcript NM_002768.5 (MANE Select); coding-DNA position 198, G replaced by A.
Protein change: p.Ala66=; no amino-acid change (alanine 66 retained).
Molecular consequence: synonymous variant. On other transcripts: missense variant (1), non-coding transcript variant (1).
Genome position (GRCh38, 1-based): chr16:89,649,405, C>T on the plus strand (G>A on the coding strand, the complement: CHMP1A is on the minus strand). VCF-style: chr16-89649405-C-T. GRCh37 (hg19) VCF-style: chr16-89715813-C-T.
Other names: c.178G>A, p.Val60Ile (NM_001083314.4); c.178G>A (NM_001083314.3); short protein forms V60I.
Identifiers: ClinVar variation 197208 (VCV000197208.53), dbSNP rs201479143, ClinGen allele CA245214.

ClinVar aggregate classification (germline): Conflicting classifications of pathogenicity. Review status: criteria provided, conflicting classifications (1 of 4 stars). 5 submissions from 5 submitters: Uncertain significance (1); Likely benign (3). 1 of the submissions does not count toward it. Last evaluated 2026-01-19.

Conditions:
CHMP1A-related disorder. Also called: CHMP1A-related condition.

Allele frequency attached by ClinVar (database versions not stated): 1000 Genomes Project 0.00040; 1000 Genomes Project 30x 0.00047; gnomAD 0.00066 and 0.00070; TOPMed 0.00072; ExAC 0.00076; gnomAD exomes 0.00076; ESP Exome Variant Server 0.00117.

Submissions (5):

Labcorp Genetics (formerly Invitae), Labcorp
Classification: Likely benign. Last evaluated: 2026-01-19. Review status: criteria provided, single submitter. Criteria: Invitae Variant Classification Sherloc (09022015). Collection method: clinical testing. Allele origin: germline.

CeGaT Center for Human Genetics Tuebingen
Classification: Likely benign. Last evaluated: 2021-01-01. Review status: criteria provided, single submitter. Criteria: CeGaT Center For Human Genetics Tuebingen Variant Classification Criteria Version 2. Collection method: clinical testing. Allele origin: germline. Affected: yes. Observed: 1 variant allele.

GeneDx
Classification: Likely benign. Last evaluated: 2017-02-09. Review status: criteria provided, single submitter. Criteria: GeneDx Variant Classification (06012015). Collection method: clinical testing. Allele origin: germline. Affected: yes.
Comment: This variant is considered likely benign or benign based on one or more of the following criteria: it is a conservative change, it occurs at a poorly conserved position in the protein, it is predicted to be benign by multiple in silico algorithms, and/or has population frequency not consistent with disease.

Eurofins Ntd Llc (ga)
Classification: Uncertain significance. Last evaluated: 2015-01-22. Review status: criteria provided, single submitter. Criteria: EGL Classification Definitions 2015. Collection method: clinical testing. Allele origin: germline. Observed: 1 variant allele, 1 heterozygote.

PreventionGenetics, part of Exact Sciences
Classification: Likely benign for CHMP1A-related condition. Last evaluated: 2020-08-19. Review status: no assertion criteria provided. Collection method: clinical testing. Allele origin: germline. Not counted in ClinVar's aggregate classification.
Comment: This variant is classified as likely benign based on ACMG/AMP sequence variant interpretation guidelines (Richards et al. 2015 PMID: 25741868, with internal and published modifications).